The following is an entry in ClinVar:

NM_001042492.3(NF1):c.3278T>C (p.Val1093Ala)

Gene: NF1 (neurofibromin 1; plus strand). Cytogenetic location: 17q11.2.
Variant type: single nucleotide variant.
Coding change: c.3278T>C on transcript NM_001042492.3 (MANE Select); coding-DNA position 3278, T replaced by C.
Protein change: p.Val1093Ala; replaces valine 1093 with alanine.
Molecular consequence: missense variant.
Genome position (GRCh38, 1-based): chr17:31,232,153, T>C. VCF-style: chr17-31232153-T-C. GRCh37 (hg19) VCF-style: chr17-29559171-T-C.
Other names: c.3278T>C, p.Val1093Ala (NM_000267.4); short protein forms V1093A.
Identifiers: ClinVar variation 943414 (VCV000943414.6), dbSNP rs2067124037, ClinGen allele CA398988860.

ClinVar aggregate classification (germline): Uncertain significance (1 of 4 stars; one submission).

Conditions:
Neurofibromatosis, type 1 (NF1). Also called: Peripheral type neurofibromatosis; Neurofibromatosis, type I; VON RECKLINGHAUSEN DISEASE; NEUROFIBROMATOSIS, TYPE I, SOMATIC. Identifiers: Orphanet 636, MedGen C0027831, MONDO:0018975, OMIM 162200. Disease mechanism: loss of function.

Submission:

Labcorp Genetics (formerly Invitae), Labcorp
Classification: Uncertain significance for Neurofibromatosis, type 1. Last evaluated: 2025-12-15. Review status: criteria provided, single submitter. Criteria: Invitae Variant Classification Sherloc (09022015). Collection method: clinical testing. Allele origin: germline.
Comment: This sequence change replaces valine, which is neutral and non-polar, with alanine, which is neutral and non-polar, at codon 1093 of the NF1 protein (p.Val1093Ala). This variant is not present in population databases (gnomAD no frequency). This variant has not been reported in the literature in individuals affected with NF1-related conditions. ClinVar contains an entry for this variant (Variation ID: 943414). Invitae Evidence Modeling of protein sequence and biophysical properties (such as structural, functional, and spatial information, amino acid conservation, physicochemical variation, residue mobility, and thermodynamic stability) has been performed for this missense variant. However, the output from this modeling did not meet the statistical confidence thresholds required to predict the impact of this variant on NF1 protein function. Algorithms developed to predict the effect of sequence changes on RNA splicing suggest that this variant may create or strengthen a splice site. This variant disrupts the p.Val1093 amino acid residue in NF1. Other variant(s) that disrupt this residue have been determined to be pathogenic (PMID: 10862084, 18546366, 23913538). This suggests that this residue is clinically significant, and that variants that disrupt this residue are likely to be disease-causing. In summary, the available evidence is currently insufficient to determine the role of this variant in disease. Therefore, it has been classified as a Variant of Uncertain Significance.

Literature cited by the submitters: PubMed 10862084; PubMed 18546366; PubMed 23913538.